The following is an entry in ClinVar:

NM_014795.4(ZEB2):c.3210C>A (p.Tyr1070Ter)

Gene: ZEB2 (zinc finger E-box binding homeobox 2; minus strand). Cytogenetic location: 2q22.3.
Variant type: single nucleotide variant.
Coding change: c.3210C>A on transcript NM_014795.4 (MANE Select); coding-DNA position 3210, C replaced by A.
Protein change: p.Tyr1070Ter; replaces tyrosine 1070 with a stop codon.
Molecular consequence: nonsense.
Genome position (GRCh38, 1-based): chr2:144,389,886, G>T on the plus strand (C>A on the coding strand, the complement: ZEB2 is on the minus strand). VCF-style: chr2-144389886-G-T. GRCh37 (hg19) VCF-style: chr2-145147453-G-T.
Other names: c.3138C>A, p.Tyr1046Ter (NM_001171653.2); short protein forms Y1046*, Y1070*.
Identifiers: ClinVar variation 2835737 (VCV002835737.3), dbSNP rs2149872632, ClinGen allele CA348700304.

ClinVar aggregate classification (germline): Pathogenic (1 of 4 stars; one submission).

Conditions:
Mowat-Wilson syndrome (MOWS). Also called: Classic Mowat-Wilson Syndrome. Identifiers: Orphanet 2152, MedGen C1856113, MONDO:0009341, OMIM 235730.

Submission:

Labcorp Genetics (formerly Invitae), Labcorp
Classification: Pathogenic for Mowat-Wilson syndrome. Last evaluated: 2023-02-18. Review status: criteria provided, single submitter. Criteria: Invitae Variant Classification Sherloc (09022015). Collection method: clinical testing. Allele origin: germline.
Comment: This variant is not present in population databases (gnomAD no frequency). For these reasons, this variant has been classified as Pathogenic. This variant disrupts a region of the ZEB2 protein in which other variant(s) (p.Gln1119Arg) have been determined to be pathogenic (PMID: 16688751). This suggests that this is a clinically significant region of the protein, and that variants that disrupt it are likely to be disease-causing. This variant has not been reported in the literature in individuals affected with ZEB2-related conditions. This sequence change creates a premature translational stop signal (p.Tyr1070*) in the ZEB2 gene. While this is not anticipated to result in nonsense mediated decay, it is expected to disrupt the last 145 amino acid(s) of the ZEB2 protein.

Literature cited by the submitters: PubMed 16688751.